The following is an entry in ClinVar:

ClinVar aggregate classification (germline): Conflicting classifications of pathogenicity. Review status: criteria provided, conflicting classifications (1 of 4 stars). 3 submissions from 3 submitters: Likely pathogenic (1); Uncertain significance (2). Last evaluated 2024-11-11.

Conditions:
Cohen syndrome (COH1). Also called: PEPPER SYNDROME; Cutis verticis gyrata, retinitis pigmentosa, and sensorineural deafness. Identifiers: Orphanet 193, MedGen C0265223, MONDO:0008999, OMIM 216550.

Allele frequency attached by ClinVar (database versions not stated): gnomAD 0.00001; gnomAD exomes 0.00001; TOPMed 0.00001; ESP Exome Variant Server 0.00015.
gnomAD v4.1: 3 of 1,613,748 alleles (0.00019%); highest among the groups gnomAD compares: Non-Finnish European, 0.00025%; no homozygotes.

Submissions (3):

Women's Health and Genetics/Laboratory Corporation of America, LabCorp
Classification: Uncertain significance. Last evaluated: 2024-11-11. Review status: criteria provided, single submitter. Criteria: LabCorp Variant Classification Summary - May 2015. Collection method: clinical testing. Allele origin: germline.
Comment: Variant summary: VPS13B c.4748T>A (p.Ile1583Asn) results in a non-conservative amino acid change in the encoded protein sequence. Three of five in-silico tools predict a damaging effect of the variant on protein function. The variant allele was found at a frequency of 8e-06 in 251284 control chromosomes. The available data on variant occurrences in the general population are insufficient to allow any conclusion about variant significance. To our knowledge, no occurrence of c.4748T>A in individuals affected with Cohen Syndrome and no experimental evidence demonstrating its impact on protein function have been reported. ClinVar contains an entry for this variant (Variation ID: 449803). Based on the evidence outlined above, the variant was classified as uncertain significance.

GeneDx
Classification: Likely pathogenic. Last evaluated: 2023-08-17. Review status: criteria provided, single submitter. Criteria: GeneDx Variant Classification Process June 2021. Collection method: clinical testing. Allele origin: germline. Affected: yes.
Comment: Not observed at significant frequency in large population cohorts (gnomAD); In silico analysis supports that this missense variant has a deleterious effect on protein structure/function; Has not been previously published as pathogenic or benign to our knowledge; This variant is associated with the following publications: (PMID: 26934580)

Labcorp Genetics (formerly Invitae), Labcorp
Classification: Uncertain significance for Cohen syndrome. Last evaluated: 2022-10-17. Review status: criteria provided, single submitter. Criteria: Invitae Variant Classification Sherloc (09022015). Collection method: clinical testing. Allele origin: germline.
Comment: This sequence change replaces isoleucine, which is neutral and non-polar, with asparagine, which is neutral and polar, at codon 1583 of the VPS13B protein (p.Ile1583Asn). This variant is not present in population databases (gnomAD no frequency). This variant has not been reported in the literature in individuals affected with VPS13B-related conditions. ClinVar contains an entry for this variant (Variation ID: 449803). Advanced modeling of protein sequence and biophysical properties (such as structural, functional, and spatial information, amino acid conservation, physicochemical variation, residue mobility, and thermodynamic stability) performed at Invitae indicates that this missense variant is not expected to disrupt VPS13B protein function. In summary, the available evidence is currently insufficient to determine the role of this variant in disease. Therefore, it has been classified as a Variant of Uncertain Significance.

NM_152564.5(VPS13B):c.4673T>A (p.Ile1558Asn)

Gene: VPS13B (vacuolar protein sorting 13 homolog B; plus strand). Cytogenetic location: 8q22.2.
Variant type: single nucleotide variant.
Coding change: c.4673T>A on transcript NM_152564.5 (MANE Select); coding-DNA position 4673, T replaced by A.
Protein change: p.Ile1558Asn; replaces isoleucine 1558 with asparagine.
Molecular consequence: missense variant.
Genome position (GRCh38, 1-based): chr8:99,520,938, T>A. VCF-style: chr8-99520938-T-A. GRCh37 (hg19) VCF-style: chr8-100533166-T-A.
Other names: c.4748T>A, p.Ile1583Asn (NM_017890.5); short protein forms I1558N, I1583N.
Identifiers: ClinVar variation 449803 (VCV000449803.8), dbSNP rs138417551, ClinGen allele CA182986522.